The following is an entry in ClinVar:

NM_001852.4(COL9A2):c.792+3A>G

Gene: COL9A2 (collagen type IX alpha 2 chain; minus strand). Cytogenetic location: 1p34.2.
Variant type: single nucleotide variant.
Coding change: c.792+3A>G on transcript NM_001852.4 (MANE Select); 3 bases into the intron after coding-DNA position 792, A replaced by G.
Molecular consequence: intron variant.
Genome position (GRCh38, 1-based): chr1:40,310,108, T>C on the plus strand (A>G on the coding strand, the complement: COL9A2 is on the minus strand). VCF-style: chr1-40310108-T-C. GRCh37 (hg19) VCF-style: chr1-40775780-T-C.
Identifiers: ClinVar variation 2118780 (VCV002118780.4), dbSNP rs2522540109, ClinGen allele CA2580063018.

ClinVar aggregate classification (germline): Uncertain significance (1 of 4 stars; one submission).

Submission:

Labcorp Genetics (formerly Invitae), Labcorp
Classification: Uncertain significance. Last evaluated: 2022-03-28. Review status: criteria provided, single submitter. Criteria: Invitae Variant Classification Sherloc (09022015). Collection method: clinical testing. Allele origin: germline.
Comment: Variants that disrupt the consensus splice site are a relatively common cause of aberrant splicing (PMID: 17576681, 9536098). Algorithms developed to predict the effect of sequence changes on RNA splicing suggest that this variant is not likely to affect RNA splicing. In summary, the available evidence is currently insufficient to determine the role of this variant in disease. Therefore, it has been classified as a Variant of Uncertain Significance. This variant has not been reported in the literature in individuals affected with COL9A2-related conditions. This variant is not present in population databases (gnomAD no frequency). This sequence change falls in intron 15 of the COL9A2 gene. It does not directly change the encoded amino acid sequence of the COL9A2 protein. It affects a nucleotide within the consensus splice site.

Literature cited by the submitters: PubMed 17576681; PubMed 9536098.